The following is an entry in ClinVar:

NM_183075.3(CYP2U1):c.213C>G (p.Asn71Lys)

Genes: CYP2U1 (cytochrome P450 family 2 subfamily U member 1; plus strand), CYP2U1-AS1 (CYP2U1 and SGMS2 antisense RNA 1; minus strand). Cytogenetic location: 4q25.
Variant type: single nucleotide variant.
Coding change: c.213C>G on transcript NM_183075.3 (MANE Select); coding-DNA position 213, C replaced by G.
Protein change: p.Asn71Lys; replaces asparagine 71 with lysine.
Molecular consequence: missense variant.
Genome position (GRCh38, 1-based): chr4:107,931,856, C>G. VCF-style: chr4-107931856-C-G. GRCh37 (hg19) VCF-style: chr4-108853012-C-G.
Other names: short protein forms N71K.
Identifiers: ClinVar variation 1445502 (VCV001445502.8), dbSNP rs2126188271, ClinGen allele CA357831950.

ClinVar aggregate classification (germline): Uncertain significance (1 of 4 stars; one submission).

Conditions:
Spastic paraplegia. Identifiers: MedGen C0037772, HP:0001258.

gnomAD v4.1: 3 of 1,545,642 alleles (0.00019%); highest among the groups gnomAD compares: Non-Finnish European, 0.00026%; no homozygotes.

Submission:

Labcorp Genetics (formerly Invitae), Labcorp
Classification: Uncertain significance for Spastic paraplegia. Last evaluated: 2022-12-25. Review status: criteria provided, single submitter. Criteria: Invitae Variant Classification Sherloc (09022015). Collection method: clinical testing. Allele origin: germline.
Comment: This sequence change replaces asparagine, which is neutral and polar, with lysine, which is basic and polar, at codon 71 of the CYP2U1 protein (p.Asn71Lys). This variant is not present in population databases (gnomAD no frequency). This variant has not been reported in the literature in individuals affected with CYP2U1-related conditions. ClinVar contains an entry for this variant (Variation ID: 1445502). Advanced modeling of protein sequence and biophysical properties (such as structural, functional, and spatial information, amino acid conservation, physicochemical variation, residue mobility, and thermodynamic stability) performed at Invitae indicates that this missense variant is not expected to disrupt CYP2U1 protein function. In summary, the available evidence is currently insufficient to determine the role of this variant in disease. Therefore, it has been classified as a Variant of Uncertain Significance.